The following is an entry in ClinVar:

ClinVar aggregate classification (germline): Uncertain significance. Review status: criteria provided, multiple submitters, no conflicts (2 of 4 stars). 4 submissions from 4 submitters: Uncertain significance (4). Last evaluated 2024-08-02.

Conditions:
Hereditary nonpolyposis colorectal neoplasms. Identifiers: MedGen C0009405, MeSH D003123.
Hereditary cancer-predisposing syndrome. Also called: Tumor predisposition; Neoplastic Syndromes, Hereditary; Hereditary Cancer Syndrome; Hereditary neoplastic syndrome. Identifiers: Orphanet 140162, MedGen C0027672, MeSH D009386, MONDO:0015356.

Allele frequency attached by ClinVar (database versions not stated): gnomAD exomes below 0.00001; ExAC 0.00001.
gnomAD v4.1: 1 of 1,595,290 alleles (0.000063%); highest among the groups gnomAD compares: South Asian, 0.0011%; no homozygotes.

Submissions (4):

Blueprint Genetics
Classification: Uncertain significance. Last evaluated: 2024-08-02. Review status: criteria provided, single submitter. Criteria: ACMG Guidelines, 2015. Collection method: clinical testing. Allele origin: germline.

Labcorp Genetics (formerly Invitae), Labcorp
Classification: Uncertain significance for Hereditary nonpolyposis colorectal neoplasms. Last evaluated: 2024-03-06. Review status: criteria provided, single submitter. Criteria: Invitae Variant Classification Sherloc (09022015). Collection method: clinical testing. Allele origin: germline.
Comment: This sequence change replaces glutamine, which is neutral and polar, with arginine, which is basic and polar, at codon 244 of the PMS2 protein (p.Gln244Arg). The frequency data for this variant in the population databases is considered unreliable, as metrics indicate poor data quality at this position in the gnomAD database. This missense change has been observed in individual(s) with clinical features of PMS2-related conditions (PMID: 35171259). ClinVar contains an entry for this variant (Variation ID: 2435096). Advanced modeling of protein sequence and biophysical properties (such as structural, functional, and spatial information, amino acid conservation, physicochemical variation, residue mobility, and thermodynamic stability) performed at Invitae indicates that this missense variant is expected to disrupt PMS2 protein function with a positive predictive value of 80%. In summary, the available evidence is currently insufficient to determine the role of this variant in disease. Therefore, it has been classified as a Variant of Uncertain Significance.

Ambry Genetics
Classification: Uncertain significance for Hereditary cancer-predisposing syndrome. Last evaluated: 2023-06-27. Review status: criteria provided, single submitter. Criteria: Ambry Variant Classification Scheme 2023. Collection method: clinical testing. Allele origin: germline.
Comment: The p.Q244R variant (also known as c.731A>G), located in coding exon 7 of the PMS2 gene, results from an A to G substitution at nucleotide position 731. The glutamine at codon 244 is replaced by arginine, an amino acid with highly similar properties. This amino acid position is highly conserved in available vertebrate species. In addition, this alteration is predicted to be deleterious by in silico analysis. Since supporting evidence is limited at this time, the clinical significance of this alteration remains unclear.

Revvity Omics, Revvity
Classification: Uncertain significance. Last evaluated: 2019-02-27. Review status: criteria provided, single submitter. Criteria: ACMG Guidelines, 2015. Collection method: clinical testing. Allele origin: germline.

Literature cited by the submitters: PubMed 35171259 (cited by Labcorp Genetics (formerly Invitae), Labcorp).

NM_000535.7(PMS2):c.731A>G (p.Gln244Arg)

Gene: PMS2 (PMS1 homolog 2, mismatch repair system component; minus strand). Cytogenetic location: 7p22.1.
Variant type: single nucleotide variant.
Coding change: c.731A>G on transcript NM_000535.7 (MANE Select); coding-DNA position 731, A replaced by G.
Protein change: p.Gln244Arg; replaces glutamine 244 with arginine.
Molecular consequence: missense variant. On other transcripts: 5 prime UTR variant (2), non-coding transcript variant (1).
Genome position (GRCh38, 1-based): chr7:5,997,398, T>C on the plus strand (A>G on the coding strand, the complement: PMS2 is on the minus strand). VCF-style: chr7-5997398-T-C. GRCh37 (hg19) VCF-style: chr7-6037029-T-C.
Other names: c.326A>G, p.Gln109Arg (NM_001018040.1, NM_001322003.2, NM_001322004.2 and 20 more transcripts); c.731A>G, p.Gln244Arg (NM_001322006.2, NM_001322014.2, NM_001406870.1 and 3 more transcripts); c.413A>G, p.Gln138Arg (NM_001322007.2, NM_001322008.2, NM_001406876.1 and 4 more transcripts); c.-203A>G (NM_001322011.2, NM_001322012.2); c.158A>G, p.Gln53Arg (NM_001322013.2, NM_001406909.1); c.422A>G, p.Gln141Arg (NM_001322015.2, NM_001406875.1, NM_001406877.1 and 6 more transcripts); c.917A>G, p.Gln306Arg (NM_001406866.1); c.755A>G, p.Gln252Arg (NM_001406868.1); and 4 more; short protein forms Q109R, Q132R, Q138R, Q141R, Q188R, Q208R, Q244R, Q252R.
Identifiers: ClinVar variation 2435096 (VCV002435096.9), dbSNP rs758915031, ClinGen allele CA051399.
Genomic context (GRCh38, chr7:5,997,398, plus strand): 5'-TGCAGAGCATCGGAACAGCTCAAACCGTACTCTTCACACACGGAGTCACTAGGGGGCAGC[T>C]GAACAAAAGGAATGAGGCTTTGCAACTGAAAAAAAAAAAAAAAAATTCACAGTTACTTCC-3'
Protein context (NP_000526.2, residues 234-254): KQLQSLIPFV[Gln244Arg]LPPSDSVCEE